The following is an entry in ClinVar:

NM_206933.4(USH2A):c.1588_1589insG (p.Thr530fs)

Gene: USH2A (usherin; minus strand). Cytogenetic location: 1q41.
Variant type: Insertion.
Coding change: c.1588_1589insG on transcript NM_206933.4 (MANE Select); coding-DNA positions 1588 to 1589, G inserted.
Protein change: p.Thr530fs; shifts the reading frame from threonine 530.
Molecular consequence: frameshift variant.
Genome position: GRCh38 VCF-style: chr1-216321938-G-GC. GRCh37 (hg19) VCF-style: chr1-216495280-G-GC.
Other names: c.1588_1589insG, p.Thr530fs (NM_007123.6); short protein forms T530fs.
Identifiers: ClinVar variation 2202981 (VCV002202981.4), dbSNP rs2527429789, ClinGen allele CA2580062210.
Genomic context (GRCh38, chr1:216,321,938, plus strand): 5'-CTCACATGAAGTCCTTCAGTGAAGCTCTCCTGGGAGCAGAGGCATCTATATGGCTGGCTT[G>GC]TTGTGTCGCAGTTATCGGCATGACCATGGCACTGACATCTGCAAACATGAGCATCACACA-3'

ClinVar aggregate classification (germline): Pathogenic (1 of 4 stars; one submission).

Submission:

Labcorp Genetics (formerly Invitae), Labcorp
Classification: Pathogenic. Last evaluated: 2022-05-17. Review status: criteria provided, single submitter. Criteria: Invitae Variant Classification Sherloc (09022015). Collection method: clinical testing. Allele origin: germline.
Comment: For these reasons, this variant has been classified as Pathogenic. This variant is also known as c.1589_1590insG (p.T530fs). This premature translational stop signal has been observed in individual(s) with Usher syndrome (PMID: 26338283). This variant is not present in population databases (gnomAD no frequency). This sequence change creates a premature translational stop signal (p.Thr530Serfs*6) in the USH2A gene. It is expected to result in an absent or disrupted protein product. Loss-of-function variants in USH2A are known to be pathogenic (PMID: 10729113, 10909849, 20507924, 25649381).

Literature cited by the submitters: PubMed 26338283; PubMed 10729113; PubMed 10909849; PubMed 20507924; PubMed 25649381.